The following is an entry in ClinVar:

ClinVar aggregate classification (germline): Benign (0 of 4 stars; one submission).

Conditions:
MYOM2-related disorder. Also called: MYOM2-related condition.

Allele frequency attached by ClinVar (database versions not stated): ExAC 0.00160; ESP Exome Variant Server 0.00554; 1000 Genomes Project 0.00599; 1000 Genomes Project 30x 0.00656.

Submission:

PreventionGenetics, part of Exact Sciences
Classification: Benign for MYOM2-related condition. Last evaluated: 2019-02-20. Review status: no assertion criteria provided. Collection method: clinical testing. Allele origin: germline.
Comment: This variant is classified as benign based on ACMG/AMP sequence variant interpretation guidelines (Richards et al. 2015 PMID: 25741868, with internal and published modifications).

NM_003970.4(MYOM2):c.*3G>A

Gene: MYOM2 (myomesin 2; plus strand). Cytogenetic location: 8p23.3.
Variant type: single nucleotide variant.
Coding change: c.*3G>A on transcript NM_003970.4 (MANE Select); 3 bases downstream of the stop codon, G replaced by A.
Molecular consequence: 3 prime UTR variant.
Genome position (GRCh38, 1-based): chr8:2,144,984, G>A. VCF-style: chr8-2144984-G-A. GRCh37 (hg19) VCF-style: chr8-2092908-G-A.
Identifiers: ClinVar variation 3039354 (VCV003039354.2), dbSNP rs141113132, ClinGen allele CA170467353.